The following is an entry in ClinVar:

NM_005477.3(HCN4):c.620G>C (p.Arg207Pro)

Gene: HCN4 (hyperpolarization activated cyclic nucleotide gated potassium channel 4; minus strand). Cytogenetic location: 15q24.1.
Variant type: single nucleotide variant.
Coding change: c.620G>C on transcript NM_005477.3 (MANE Select); coding-DNA position 620, G replaced by C.
Protein change: p.Arg207Pro; replaces arginine 207 with proline.
Molecular consequence: missense variant.
Genome position (GRCh38, 1-based): chr15:73,367,651, C>G on the plus strand (G>C on the coding strand, the complement: HCN4 is on the minus strand). VCF-style: chr15-73367651-C-G. GRCh37 (hg19) VCF-style: chr15-73659992-C-G.
Other names: short protein forms R207P.
Identifiers: ClinVar variation 2835315 (VCV002835315.3), dbSNP rs971709325, ClinGen allele CA393097449.
Genomic context (GRCh38, chr15:73,367,651, plus strand): 5'-TTGACCCCGGGTTGGAGCATGGCCCCGAACTGGCGCTGCATGAAGCCGGCCTGGCCCAGG[C>G]GCACCTCGGCCTCCGGGAGGATCTGGTCGCCGGCAGCCGCGCCTCCCTCCACTTTGATAG-3'
Protein context (NP_005468.1, residues 197-217): GDQILPEAEV[Arg207Pro]LGQAGFMQRQ

ClinVar aggregate classification (germline): Uncertain significance (1 of 4 stars; one submission).

Conditions:
Brugada syndrome 8 (BRGDA8). Identifiers: Orphanet 130, MedGen C2751083, MONDO:0013148, OMIM 613123.

Submission:

Labcorp Genetics (formerly Invitae), Labcorp
Classification: Uncertain significance for Brugada syndrome 8. Last evaluated: 2023-02-08. Review status: criteria provided, single submitter. Criteria: Invitae Variant Classification Sherloc (09022015). Collection method: clinical testing. Allele origin: germline.
Comment: This sequence change replaces arginine, which is basic and polar, with proline, which is neutral and non-polar, at codon 207 of the HCN4 protein (p.Arg207Pro). This variant is not present in population databases (gnomAD no frequency). This variant has not been reported in the literature in individuals affected with HCN4-related conditions. Advanced modeling of protein sequence and biophysical properties (such as structural, functional, and spatial information, amino acid conservation, physicochemical variation, residue mobility, and thermodynamic stability) performed at Invitae indicates that this missense variant is not expected to disrupt HCN4 protein function. In summary, the available evidence is currently insufficient to determine the role of this variant in disease. Therefore, it has been classified as a Variant of Uncertain Significance.